The following is an entry in ClinVar:

ClinVar aggregate classification (germline): Conflicting classifications of pathogenicity. Review status: criteria provided, conflicting classifications (1 of 4 stars). 2 submissions from 2 submitters: Uncertain significance (1); Benign (1). Last evaluated 2026-01-16.

Allele frequency attached by ClinVar (database versions not stated): ExAC 0.00002; TOPMed 0.00003; gnomAD exomes 0.00004 and 0.00005; gnomAD 0.00005 and 0.00006; 1000 Genomes Project 30x 0.00016; 1000 Genomes Project 0.00020.
gnomAD v4.1: 70 of 1,613,700 alleles (0.0043%); highest among the groups gnomAD compares: African/African-American, 0.011%; no homozygotes.

Submissions (2):

Labcorp Genetics (formerly Invitae), Labcorp
Classification: Benign. Last evaluated: 2026-01-16. Review status: criteria provided, single submitter. Criteria: Invitae Variant Classification Sherloc (09022015). Collection method: clinical testing. Allele origin: germline.

GeneDx
Classification: Uncertain significance. Last evaluated: 2024-04-03. Review status: criteria provided, single submitter. Criteria: GeneDx Variant Classification Process June 2021. Collection method: clinical testing. Allele origin: germline. Affected: yes.
Comment: Has not been previously published as pathogenic or benign to our knowledge; In silico analysis supports that this missense variant does not alter protein structure/function

NM_001854.4(COL11A1):c.4586T>C (p.Leu1529Pro)

Gene: COL11A1 (collagen type XI alpha 1 chain; minus strand). Cytogenetic location: 1p21.1.
Variant type: single nucleotide variant.
Coding change: c.4586T>C on transcript NM_001854.4 (MANE Select); coding-DNA position 4586, T replaced by C.
Protein change: p.Leu1529Pro; replaces leucine 1529 with proline.
Molecular consequence: missense variant. On other transcripts: non-coding transcript variant (1).
Genome position (GRCh38, 1-based): chr1:102,888,599, A>G on the plus strand (T>C on the coding strand, the complement: COL11A1 is on the minus strand). VCF-style: chr1-102888599-A-G. GRCh37 (hg19) VCF-style: chr1-103354155-A-G.
Other names: c.4469T>C, p.Leu1490Pro (NM_001190709.2); c.4622T>C, p.Leu1541Pro (NM_080629.3); c.4238T>C, p.Leu1413Pro (NM_080630.4); short protein forms L1413P, L1490P, L1529P, L1541P.
Identifiers: ClinVar variation 1020406 (VCV001020406.11), dbSNP rs578137786, ClinGen allele CA973474.